The following is an entry in ClinVar:

NM_021076.4(NEFH):c.2548A>G (p.Thr850Ala)

Gene: NEFH (neurofilament heavy chain; plus strand). Cytogenetic location: 22q12.2.
Variant type: single nucleotide variant.
Coding change: c.2548A>G on transcript NM_021076.4 (MANE Select); coding-DNA position 2548, A replaced by G.
Protein change: p.Thr850Ala; replaces threonine 850 with alanine.
Molecular consequence: missense variant.
Genome position (GRCh38, 1-based): chr22:29,490,188, A>G. VCF-style: chr22-29490188-A-G. GRCh37 (hg19) VCF-style: chr22-29886177-A-G.
Other names: short protein forms T850A.
Identifiers: ClinVar variation 4702496 (VCV004702496.1).

ClinVar aggregate classification (germline): Uncertain significance (1 of 4 stars; one submission).

Submission:

Labcorp Genetics (formerly Invitae), Labcorp
Classification: Uncertain significance. Last evaluated: 2025-11-17. Review status: criteria provided, single submitter. Criteria: Invitae Variant Classification Sherloc (09022015). Collection method: clinical testing. Allele origin: germline.
Comment: This sequence change replaces threonine, which is neutral and polar, with alanine, which is neutral and non-polar, at codon 850 of the NEFH protein (p.Thr850Ala). This variant is not present in population databases (gnomAD no frequency). This variant has not been reported in the literature in individuals affected with NEFH-related conditions. Invitae Evidence Modeling of protein sequence and biophysical properties (such as structural, functional, and spatial information, amino acid conservation, physicochemical variation, residue mobility, and thermodynamic stability) indicates that this missense variant is not expected to disrupt NEFH protein function with a negative predictive value of 95%. In summary, the available evidence is currently insufficient to determine the role of this variant in disease. Therefore, it has been classified as a Variant of Uncertain Significance.